The following is an entry in ClinVar:

ClinVar aggregate classification (germline): Uncertain significance. Review status: criteria provided, multiple submitters, no conflicts (2 of 4 stars). 2 submissions from 2 submitters: Uncertain significance (2). Last evaluated 2025-10-01.

Conditions:
Cenani-Lenz syndactyly syndrome. Also called: CENANI SYNDACTYLISM; SYNDACTYLY, TYPE VII. Identifiers: Orphanet 3258, MedGen C1859309, MONDO:0008931, OMIM 212780.
Sclerosteosis 2 (SOST2). Identifiers: Orphanet 3152, MedGen C3280402, MONDO:0013679, OMIM 614305.
Congenital myasthenic syndrome 17. Identifiers: Orphanet 590, MedGen C4225377, MONDO:0014578, OMIM 616304.

Allele frequency attached by ClinVar (database versions not stated): TOPMed 0.00003; ExAC 0.00002; gnomAD exomes 0.00002.
gnomAD v4.1: 32 of 1,614,188 alleles (0.002%); highest among the groups gnomAD compares: Non-Finnish European, 0.0026%; no homozygotes.

Submissions (2):

Labcorp Genetics (formerly Invitae), Labcorp
Classification: Uncertain significance for Cenani-Lenz syndactyly syndrome; Sclerosteosis 2; Congenital myasthenic syndrome 17. Last evaluated: 2025-10-01. Review status: criteria provided, single submitter. Criteria: Invitae Variant Classification Sherloc (09022015). Collection method: clinical testing. Allele origin: germline.
Comment: This sequence change replaces arginine, which is basic and polar, with histidine, which is basic and polar, at codon 1361 of the LRP4 protein (p.Arg1361His). This variant is present in population databases (rs779038341, gnomAD 0.005%). This variant has not been reported in the literature in individuals affected with LRP4-related conditions. ClinVar contains an entry for this variant (Variation ID: 834751). Invitae Evidence Modeling of protein sequence and biophysical properties (such as structural, functional, and spatial information, amino acid conservation, physicochemical variation, residue mobility, and thermodynamic stability) indicates that this missense variant is not expected to disrupt LRP4 protein function with a negative predictive value of 80%. In summary, the available evidence is currently insufficient to determine the role of this variant in disease. Therefore, it has been classified as a Variant of Uncertain Significance.

GeneDx
Classification: Uncertain significance. Last evaluated: 2022-01-18. Review status: criteria provided, single submitter. Criteria: GeneDx Variant Classification Process June 2021. Collection method: clinical testing. Allele origin: germline. Affected: yes.
Comment: In silico analysis supports that this missense variant has a deleterious effect on protein structure/function; Has not been previously published as pathogenic or benign to our knowledge

NM_002334.4(LRP4):c.4082G>A (p.Arg1361His)

Gene: LRP4 (LDL receptor related protein 4; minus strand). Cytogenetic location: 11p11.2.
Variant type: single nucleotide variant.
Coding change: c.4082G>A on transcript NM_002334.4 (MANE Select); coding-DNA position 4082, G replaced by A.
Protein change: p.Arg1361His; replaces arginine 1361 with histidine.
Molecular consequence: missense variant.
Genome position (GRCh38, 1-based): chr11:46,874,947, C>T on the plus strand (G>A on the coding strand, the complement: LRP4 is on the minus strand). VCF-style: chr11-46874947-C-T. GRCh37 (hg19) VCF-style: chr11-46896498-C-T.
Other names: short protein forms R1361H.
Identifiers: ClinVar variation 834751 (VCV000834751.10), dbSNP rs779038341, ClinGen allele CA5969415.